The following is an entry in ClinVar:

ClinVar aggregate classification (germline): Likely benign (1 of 4 stars; one submission).

Submission:

CeGaT Center for Human Genetics Tuebingen
Classification: Likely benign. Last evaluated: 2023-06-01. Review status: criteria provided, single submitter. Criteria: CeGaT Center For Human Genetics Tuebingen Variant Classification Criteria Version 2. Collection method: clinical testing. Allele origin: germline. Affected: yes. Observed: 1 variant allele.
Comment: MYH14: PM2:Supporting, BP4, BP7

NM_001145809.2(MYH14):c.2298C>T (p.Ile766=)

Gene: MYH14 (myosin heavy chain 14; plus strand). Cytogenetic location: 19q13.33.
Variant type: single nucleotide variant.
Coding change: c.2298C>T on transcript NM_001145809.2 (MANE Select); coding-DNA position 2298, C replaced by T.
Protein change: p.Ile766=; no amino-acid change (isoleucine 766 retained).
Molecular consequence: synonymous variant.
Genome position (GRCh38, 1-based): chr19:50,259,209, C>T. VCF-style: chr19-50259209-C-T. GRCh37 (hg19) VCF-style: chr19-50762466-C-T.
Other names: c.2199C>T, p.Ile733= (NM_001077186.2); c.2175C>T, p.Ile725= (NM_024729.4).
Identifiers: ClinVar variation 2650307 (VCV002650307.24), dbSNP rs2034725932, ClinGen allele CA508175366.